The following is an entry in ClinVar:

ClinVar aggregate classification (germline): Uncertain significance (1 of 4 stars; one submission).

Allele frequency attached by ClinVar (database versions not stated): gnomAD exomes below 0.00001; TOPMed below 0.00001; gnomAD 0.00001.
gnomAD v4.1: 2 of 1,541,648 alleles (0.00013%); highest among the groups gnomAD compares: African/African-American, 0.0014%; no homozygotes.

Submission:

Labcorp Genetics (formerly Invitae), Labcorp
Classification: Uncertain significance. Last evaluated: 2022-02-18. Review status: criteria provided, single submitter. Criteria: Invitae Variant Classification Sherloc (09022015). Collection method: clinical testing. Allele origin: germline.
Comment: This variant has not been reported in the literature in individuals affected with FCHO1-related conditions. Algorithms developed to predict the effect of missense changes on protein structure and function (SIFT, PolyPhen-2, Align-GVGD) all suggest that this variant is likely to be tolerated. In summary, the available evidence is currently insufficient to determine the role of this variant in disease. Therefore, it has been classified as a Variant of Uncertain Significance. This variant is not present in population databases (gnomAD no frequency). This sequence change replaces arginine, which is basic and polar, with serine, which is neutral and polar, at codon 513 of the FCHO1 protein (p.Arg513Ser).

NM_015122.3(FCHO1):c.1539G>C (p.Arg513Ser)

Gene: FCHO1 (FCH and mu domain containing endocytic adaptor 1; plus strand). Cytogenetic location: 19p13.11.
Variant type: single nucleotide variant.
Coding change: c.1539G>C on transcript NM_015122.3 (MANE Select); coding-DNA position 1539, G replaced by C.
Protein change: p.Arg513Ser; replaces arginine 513 with serine.
Molecular consequence: missense variant. On other transcripts: non-coding transcript variant (14), intron variant (11).
Genome position (GRCh38, 1-based): chr19:17,778,796, G>C. VCF-style: chr19-17778796-G-C. GRCh37 (hg19) VCF-style: chr19-17889605-G-C.
Other names: c.1539G>C, p.Arg513Ser (NM_001161357.2, NM_001161358.2, NM_001384370.1 and 13 more transcripts); c.1389G>C, p.Arg463Ser (NM_001161359.2, NM_001384384.1, NM_001384385.1 and 1 more transcripts); c.1351+568G>C (NM_001384396.1, NM_001384404.1, NM_001384398.1 and 5 more transcripts); c.1201+568G>C (NM_001384406.1); c.1058-2435G>C (NM_001384407.1); c.1306+568G>C (NM_001384403.1); c.1500G>C, p.Arg500Ser (NM_001384388.1, NM_001384389.1, NM_001384405.1); c.1464G>C, p.Arg488Ser (NM_001384390.1); and 1 more; short protein forms R463S, R474S, R488S, R513S, R500S.
Identifiers: ClinVar variation 2095879 (VCV002095879.4), dbSNP rs2092989039, ClinGen allele CA404753846.